The following is an entry in ClinVar:

NM_031885.5(BBS2):c.184del (p.Leu62fs)

Gene: BBS2 (Bardet-Biedl syndrome 2; minus strand). Cytogenetic location: 16q13.
Variant type: Deletion.
Coding change: c.184del on transcript NM_031885.5 (MANE Select); coding-DNA position 184, one base deleted (C; older notation c.184delC).
Protein change: p.Leu62fs; shifts the reading frame from leucine 62.
Molecular consequence: frameshift variant. On other transcripts: non-coding transcript variant (5).
Genome position (GRCh38, 1-based): chr16:56,514,614, G deleted on the plus strand (C on the coding strand, the reverse complement: BBS2 is on the minus strand); the first of 5 consecutive G bases (chr16:56,514,614-56,514,618); deleting any one gives the same sequence. VCF-style (leftmost placement, unchanged base first): chr16-56514613-AG-A. GRCh37 (hg19) VCF-style: chr16-56548525-AG-A.
Other names: c.184del, p.Leu62fs (NM_001377456.1); short protein forms L62fs.
Identifiers: ClinVar variation 3695339 (VCV003695339.2).

ClinVar aggregate classification (germline): Pathogenic (1 of 4 stars; one submission).

Conditions:
Bardet-Biedl syndrome (BBS). Identifiers: Orphanet 110, MedGen C0752166, MONDO:0015229.

Submission:

Labcorp Genetics (formerly Invitae), Labcorp
Classification: Pathogenic for Bardet-Biedl syndrome. Last evaluated: 2024-08-06. Review status: criteria provided, single submitter. Criteria: Invitae Variant Classification Sherloc (09022015). Collection method: clinical testing. Allele origin: germline.
Comment: This sequence change creates a premature translational stop signal (p.Leu62Trpfs*17) in the BBS2 gene. It is expected to result in an absent or disrupted protein product. Loss-of-function variants in BBS2 are known to be pathogenic (PMID: 11285252, 20177705, 24608809, 26518167). This variant is present in population databases (no rsID available, gnomAD 0.0009%). This premature translational stop signal has been observed in individual(s) with congenital heart disease (PMID: 35910219). For these reasons, this variant has been classified as Pathogenic.

Literature cited by the submitters: PubMed 11285252; PubMed 20177705; PubMed 24608809; PubMed 26518167; PubMed 35910219.